The following is an entry in ClinVar:

ClinVar aggregate classification (germline): Uncertain significance (1 of 4 stars; one submission).

Conditions:
Breast-ovarian cancer, familial, susceptibility to, 4. Identifiers: Orphanet 145, MedGen C3280345, MONDO:0013669, OMIM 614291.

Submission:

Labcorp Genetics (formerly Invitae), Labcorp
Classification: Uncertain significance for Breast-ovarian cancer, familial, susceptibility to, 4. Last evaluated: 2023-05-14. Review status: criteria provided, single submitter. Criteria: Invitae Variant Classification Sherloc (09022015). Collection method: clinical testing. Allele origin: germline.
Comment: This sequence change replaces leucine, which is neutral and non-polar, with arginine, which is basic and polar, at codon 241 of the RAD51D protein (p.Leu241Arg). This variant is not present in population databases (gnomAD no frequency). This variant has not been reported in the literature in individuals affected with RAD51D-related conditions. In summary, the available evidence is currently insufficient to determine the role of this variant in disease. Therefore, it has been classified as a Variant of Uncertain Significance. Advanced modeling of protein sequence and biophysical properties (such as structural, functional, and spatial information, amino acid conservation, physicochemical variation, residue mobility, and thermodynamic stability) performed at Invitae indicates that this missense variant is not expected to disrupt RAD51D protein function. ClinVar contains an entry for this variant (Variation ID: 849020).

NM_002878.4(RAD51D):c.722T>G (p.Leu241Arg)

Genes: RAD51L3-RFFL (RAD51L3-RFFL readthrough; minus strand), RAD51D (RAD51 paralog D; minus strand). Cytogenetic location: 17q12.
Variant type: single nucleotide variant.
Coding change: c.722T>G on transcript NM_002878.4 (MANE Select); coding-DNA position 722, T replaced by G.
Protein change: p.Leu241Arg; replaces leucine 241 with arginine.
Molecular consequence: missense variant. On other transcripts: non-coding transcript variant (3).
Genome position (GRCh38, 1-based): chr17:35,103,270, A>C on the plus strand (T>G on the coding strand, the complement: RAD51D is on the minus strand). VCF-style: chr17-35103270-A-C. GRCh37 (hg19) VCF-style: chr17-33430289-A-C.
Other names: c.782T>G, p.Leu261Arg (NM_001142571.2); c.386T>G, p.Leu129Arg (NM_133629.3); short protein forms L129R, L241R, L261R.
Identifiers: ClinVar variation 849020 (VCV000849020.6), dbSNP rs2091560206, ClinGen allele CA399087510.